The following is an entry in ClinVar:

NM_000516.7(GNAS):c.1107_1108del (p.Asn371fs)

Gene: GNAS (GNAS complex locus; plus strand). Cytogenetic location: 20q13.32.
Variant type: Deletion.
Coding change: c.1107_1108del on transcript NM_000516.7 (MANE Select); coding-DNA positions 1107 to 1108, 2 bases deleted (TG; older notation c.1107_1108delTG).
Protein change: p.Asn371fs; shifts the reading frame from asparagine 371.
Molecular consequence: frameshift variant. On other transcripts: 3 prime UTR variant (2).
Genome position (GRCh38, 1-based): chr20:58,910,751-58,910,752, TG deleted. VCF-style (leftmost placement, unchanged base first): chr20-58910750-CTG-C. GRCh37 (hg19) VCF-style: chr20-57485805-CTG-C.
Other names: c.1110_1111del, p.Asn372fs (NM_001077488.5); c.1062_1063del, p.Asn356fs (NM_001077489.4); c.*968_*969del (NM_001077490.3); c.930_931del, p.Asn312fs (NM_001309840.2, NM_001309861.2); c.*1013_*1014del (NM_016592.5); c.3036_3037del, p.Asn1014fs (NM_080425.4); c.1065_1066del, p.Asn357fs (NM_080426.4); short protein forms N357fs, N372fs, N312fs, N356fs, N1014fs, N371fs.
Identifiers: ClinVar variation 1033065 (VCV001033065.5), dbSNP rs2091380655, ClinGen allele CA2372529816.

ClinVar aggregate classification (germline): Pathogenic. Review status: criteria provided, multiple submitters, no conflicts (2 of 4 stars). 2 submissions from 2 submitters: Pathogenic (2). Last evaluated 2022-09-14.

Conditions:
Pseudohypoparathyroidism (PHP1A). Identifiers: Orphanet 79443, Orphanet 97593, MedGen C0033806, MONDO:0019992, HP:0000852.

Submissions (2):

Labcorp Genetics (formerly Invitae), Labcorp
Classification: Pathogenic. Last evaluated: 2022-09-14. Review status: criteria provided, single submitter. Criteria: Invitae Variant Classification Sherloc (09022015). Collection method: clinical testing. Allele origin: germline.
Comment: This sequence change creates a premature translational stop signal (p.Asn371Hisfs*10) in the GNAS gene. While this is not anticipated to result in nonsense mediated decay, it is expected to disrupt the last 24 amino acid(s) of the GNAS protein. This variant is not present in population databases (gnomAD no frequency). This premature translational stop signal has been observed in individual(s) with Clinical features of GNAS-related conditions (PMID: 29193623). ClinVar contains an entry for this variant (Variation ID: 1033065). This variant disrupts a region of the GNAS protein in which other variant(s) (p.Glu392Lys) have been determined to be pathogenic (PMID: 12970262, 21488135, 21525160, 24651309). This suggests that this is a clinically significant region of the protein, and that variants that disrupt it are likely to be disease-causing. For these reasons, this variant has been classified as Pathogenic.

Baylor Genetics
Classification: Pathogenic for Pseudohypoparathyroidism type I A. Last evaluated: 2018-03-27. Review status: criteria provided, single submitter. Criteria: ACMG Guidelines, 2015. Collection method: clinical testing. Allele origin: maternal. Affected: yes.
Comment: This variant was determined to be pathogenic according to ACMG Guidelines, 2015 [PMID:25741868].

Literature cited by the submitters: PubMed 29193623 (cited by Labcorp Genetics (formerly Invitae), Labcorp); PubMed 12970262 (cited by Labcorp Genetics (formerly Invitae), Labcorp); PubMed 21488135 (cited by Labcorp Genetics (formerly Invitae), Labcorp); PubMed 21525160 (cited by Labcorp Genetics (formerly Invitae), Labcorp); PubMed 24651309 (cited by Labcorp Genetics (formerly Invitae), Labcorp).